The following is an entry in ClinVar:

ClinVar aggregate classification (germline): Uncertain significance (1 of 4 stars; one submission).

Allele frequency attached by ClinVar (database versions not stated): gnomAD exomes below 0.00001.
gnomAD v4.1: 1 of 1,613,904 alleles (0.000062%); highest among the groups gnomAD compares: East Asian, 0.0022%; no homozygotes.

Submission:

GeneDx
Classification: Uncertain significance. Last evaluated: 2022-04-26. Review status: criteria provided, single submitter. Criteria: GeneDx Variant Classification Process June 2021. Collection method: clinical testing. Allele origin: germline. Affected: yes.
Comment: Not observed at significant frequency in large population cohorts (gnomAD); In silico analysis supports that this missense variant does not alter protein structure/function; Has not been previously published as pathogenic or benign to our knowledge

NM_022455.5(NSD1):c.1676C>T (p.Thr559Ile)

Gene: NSD1 (nuclear receptor binding SET domain protein 1; plus strand). Cytogenetic location: 5q35.3.
Variant type: single nucleotide variant.
Coding change: c.1676C>T on transcript NM_022455.5 (MANE Select); coding-DNA position 1676, C replaced by T.
Protein change: p.Thr559Ile; replaces threonine 559 with isoleucine.
Molecular consequence: missense variant.
Genome position (GRCh38, 1-based): chr5:177,210,075, C>T. VCF-style: chr5-177210075-C-T. GRCh37 (hg19) VCF-style: chr5-176637076-C-T.
Other names: c.803C>T, p.Thr268Ile (NM_001365684.2, NM_001409306.1, NM_001409307.1 and 3 more transcripts); c.1676C>T, p.Thr559Ile (NM_001409301.1, NM_001409302.1, NM_001409303.1); c.1256C>T, p.Thr419Ile (NM_001409304.1); c.923C>T, p.Thr308Ile (NM_001409305.1); short protein forms T268I, T290I, T308I, T419I, T559I.
Identifiers: ClinVar variation 1712797 (VCV001712797.2), dbSNP rs2149843435, ClinGen allele CA362310821.